The following is an entry in ClinVar:

ClinVar aggregate classification (germline): Uncertain significance (1 of 4 stars; one submission).

Conditions:
PCSK1-related disorder. Also called: PCSK1-related condition.

gnomAD v4.1: 73 of 1,613,942 alleles (0.0045%); highest among the groups gnomAD compares: Middle Eastern, 0.033%; no homozygotes.

Submission:

PreventionGenetics, part of Exact Sciences
Classification: Uncertain significance for PCSK1-related condition. Last evaluated: 2024-12-03. Review status: criteria provided, single submitter. Criteria: ACMG Guidelines, 2015. Collection method: clinical testing. Allele origin: germline.
Comment: The PCSK1 c.1130C>T variant is predicted to result in the amino acid substitution p.Thr377Met. This variant was previously reported in multiple individuals with obesity (Saeed et al. 2022. PubMed ID: 35061034, Table 1; Dataset S1, Hou et al 2020. PubMed ID: 31980526; Shah et al. 2023. PubMed ID: 36864747). In vitro functional studies showed this variant did not reduce protein function and could cause increased function (Supplemental Data Set 3, Shah et al. 2023. PubMed ID: 36864747). This variant is reported in 0.0031% of alleles in individuals of European (Non-Finnish) descent in gnomAD. At this time, the clinical significance of this variant is uncertain due to the absence of conclusive functional and genetic evidence.

NM_000439.5(PCSK1):c.1130C>T (p.Thr377Met)

Genes: CAST (calpastatin; plus strand), PCSK1 (proprotein convertase subtilisin/kexin type 1; minus strand), LOC101929710 (uncharacterized LOC101929710; plus strand). Cytogenetic location: 5q15.
Variant type: single nucleotide variant.
Coding change: c.1130C>T on transcript NM_000439.5 (MANE Select); coding-DNA position 1130, C replaced by T.
Protein change: p.Thr377Met; replaces threonine 377 with methionine.
Molecular consequence: missense variant. On other transcripts: intron variant (11).
Genome position (GRCh38, 1-based): chr5:96,408,289, G>A on the plus strand (C>T on the coding strand, the complement: PCSK1 is on the minus strand). VCF-style: chr5-96408289-G-A. GRCh37 (hg19) VCF-style: chr5-95743993-G-A.
Other names: c.989C>T, p.Thr330Met (NM_001177875.2); c.-175+28637G>A (NM_001423254.1, NM_001423259.1, NM_001423255.1 and 6 more transcripts); c.-103+28637G>A (NM_001423253.1); c.-40+28637G>A (NM_001423258.1); short protein forms T377M, T330M.
Identifiers: ClinVar variation 4987519 (VCV004987519.1).